The following is an entry in ClinVar:

ClinVar aggregate classification (germline): Uncertain significance (1 of 4 stars; one submission).

Conditions:
Cardiovascular phenotype. Identifiers: MedGen CN230736.

Submission:

Ambry Genetics
Classification: Uncertain significance for Cardiovascular phenotype. Last evaluated: 2025-07-12. Review status: criteria provided, single submitter. Criteria: Ambry Variant Classification Scheme 2023. Collection method: clinical testing. Allele origin: germline.
Comment: The p.D25V variant (also known as c.74A>T), located in coding exon 2 of the SPRED1 gene, results from an A to T substitution at nucleotide position 74. The aspartic acid at codon 25 is replaced by valine, an amino acid with highly dissimilar properties. This amino acid position is conserved. In addition, this alteration is predicted to be deleterious by in silico analysis. Based on the available evidence, the clinical significance of this variant remains unclear.

NM_152594.3(SPRED1):c.74A>T (p.Asp25Val)

Gene: SPRED1 (sprouty related EVH1 domain containing 1; plus strand). Cytogenetic location: 15q14.
Variant type: single nucleotide variant.
Coding change: c.74A>T on transcript NM_152594.3 (MANE Select); coding-DNA position 74, A replaced by T.
Protein change: p.Asp25Val; replaces aspartic acid 25 with valine.
Molecular consequence: missense variant.
Genome position (GRCh38, 1-based): chr15:38,299,414, A>T. VCF-style: chr15-38299414-A-T. GRCh37 (hg19) VCF-style: chr15-38591615-A-T.
Other names: short protein forms D25V.
Identifiers: ClinVar variation 4174019 (VCV004174019.1).